The following is an entry in ClinVar:

ClinVar aggregate classification (germline): Uncertain significance (1 of 4 stars; one submission).

Conditions:
Neurofibromatosis, type 1 (NF1). Also called: VON RECKLINGHAUSEN DISEASE; NEUROFIBROMATOSIS, TYPE I, SOMATIC; Peripheral type neurofibromatosis; Neurofibromatosis, type I. Identifiers: Orphanet 636, MedGen C0027831, MONDO:0018975, OMIM 162200. Disease mechanism: loss of function.

gnomAD v4.1: 2 of 1,614,064 alleles (0.00012%); highest among the groups gnomAD compares: Non-Finnish European, 0.00017%; no homozygotes.

Submission:

Labcorp Genetics (formerly Invitae), Labcorp
Classification: Uncertain significance for Neurofibromatosis, type 1. Last evaluated: 2024-10-31. Review status: criteria provided, single submitter. Criteria: Invitae Variant Classification Sherloc (09022015). Collection method: clinical testing. Allele origin: germline.
Comment: This sequence change replaces tyrosine, which is neutral and polar, with cysteine, which is neutral and slightly polar, at codon 1254 of the NF1 protein (p.Tyr1254Cys). This variant is present in population databases (no rsID available, gnomAD 0.0009%). This variant has not been reported in the literature in individuals affected with NF1-related conditions. Invitae Evidence Modeling of protein sequence and biophysical properties (such as structural, functional, and spatial information, amino acid conservation, physicochemical variation, residue mobility, and thermodynamic stability) indicates that this missense variant is expected to disrupt NF1 protein function with a positive predictive value of 95%. In summary, the available evidence is currently insufficient to determine the role of this variant in disease. Therefore, it has been classified as a Variant of Uncertain Significance.

NM_001042492.3(NF1):c.3761A>G (p.Tyr1254Cys)

Gene: NF1 (neurofibromin 1; plus strand). Cytogenetic location: 17q11.2.
Variant type: single nucleotide variant.
Coding change: c.3761A>G on transcript NM_001042492.3 (MANE Select); coding-DNA position 3761, A replaced by G.
Protein change: p.Tyr1254Cys; replaces tyrosine 1254 with cysteine.
Molecular consequence: missense variant.
Genome position (GRCh38, 1-based): chr17:31,235,663, A>G. VCF-style: chr17-31235663-A-G. GRCh37 (hg19) VCF-style: chr17-29562681-A-G.
Other names: c.3761A>G, p.Tyr1254Cys (NM_000267.4); short protein forms Y1254C.
Identifiers: ClinVar variation 3715212 (VCV003715212.2).
Genomic context (GRCh38, chr17:31,235,663, plus strand): 5'-GTTCTCAGGATGAACTAGCTCGAGTTCTGGTTACTCTGTTTGATTCTCGGCATTTACTCT[A>G]CCAACTGCTCTGGAACATGTTTTCTAAAGAAGTAGAATTGGCAGACTCCATGCAGACTCT-3'
Protein context (NP_001035957.1, residues 1244-1264): VTLFDSRHLL[Tyr1254Cys]QLLWNMFSKE